The following is an entry in ClinVar:

ClinVar aggregate classification (germline): Uncertain significance (1 of 4 stars; one submission).

Conditions:
Neuroblastoma, susceptibility to, 3. Also called: ALK-Related Neuroblastic Tumor Susceptibility. Identifiers: Orphanet 635, MedGen C2751681, MONDO:0013083, OMIM 613014.

Allele frequency attached by ClinVar (database versions not stated): gnomAD 0.00001.
gnomAD v4.1: 1 of 1,613,796 alleles (0.000062%); highest among the groups gnomAD compares: African/African-American, 0.0013%; no homozygotes.

Submission:

Labcorp Genetics (formerly Invitae), Labcorp
Classification: Uncertain significance for Neuroblastoma, susceptibility to, 3. Last evaluated: 2023-08-18. Review status: criteria provided, single submitter. Criteria: Invitae Variant Classification Sherloc (09022015). Collection method: clinical testing. Allele origin: germline.
Comment: This sequence change replaces histidine, which is basic and polar, with glutamine, which is neutral and polar, at codon 1063 of the ALK protein (p.His1063Gln). In summary, the available evidence is currently insufficient to determine the role of this variant in disease. Therefore, it has been classified as a Variant of Uncertain Significance. Algorithms developed to predict the effect of sequence changes on RNA splicing suggest that this variant may create or strengthen a splice site. An algorithm developed to predict the effect of missense changes on protein structure and function (PolyPhen-2) suggests that this variant is likely to be tolerated. ClinVar contains an entry for this variant (Variation ID: 1369099). This variant has not been reported in the literature in individuals affected with ALK-related conditions. This variant is not present in population databases (gnomAD no frequency).

NM_004304.5(ALK):c.3189C>G (p.His1063Gln)

Gene: ALK (ALK receptor tyrosine kinase; minus strand). Cytogenetic location: 2p23.2.
Variant type: single nucleotide variant.
Coding change: c.3189C>G on transcript NM_004304.5 (MANE Select); coding-DNA position 3189, C replaced by G.
Protein change: p.His1063Gln; replaces histidine 1063 with glutamine.
Molecular consequence: missense variant. On other transcripts: 5 prime UTR variant (1).
Genome position (GRCh38, 1-based): chr2:29,223,512, G>C on the plus strand (C>G on the coding strand, the complement: ALK is on the minus strand). VCF-style: chr2-29223512-G-C. GRCh37 (hg19) VCF-style: chr2-29446378-G-C.
Other names: c.-16C>G (NM_001353765.2); short protein forms H1063Q.
Identifiers: ClinVar variation 1369099 (VCV001369099.6), dbSNP rs1669866903, ClinGen allele CA346465679.